The following is an entry in ClinVar:

ClinVar aggregate classification (germline): Uncertain significance. Review status: criteria provided, multiple submitters, no conflicts (2 of 4 stars). 4 submissions from 4 submitters: Uncertain significance (4). Last evaluated 2025-03-18.

Conditions:
Hereditary cancer-predisposing syndrome. Also called: Neoplastic Syndromes, Hereditary; Tumor predisposition; Hereditary neoplastic syndrome; Hereditary Cancer Syndrome. Identifiers: Orphanet 140162, MedGen C0027672, MeSH D009386, MONDO:0015356.
Classic or attenuated familial adenomatous polyposis. Identifiers: MedGen CN372698, MONDO:0021057.
Familial adenomatous polyposis 1 (FAP1). Also called: FAMILIAL ADENOMATOUS POLYPOSIS 1, ATTENUATED; POLYPOSIS, ADENOMATOUS INTESTINAL. Identifiers: MedGen C2713442, MONDO:0021056, OMIM 175100. Disease mechanism: loss of function.
APC-related disorder. Also called: APC-related condition.

Allele frequency attached by ClinVar (database versions not stated): gnomAD exomes below 0.00001; TOPMed below 0.00001; gnomAD 0.00001; 1000 Genomes Project 30x 0.00016.
gnomAD v4.1: 2 of 1,612,544 alleles (0.00012%); highest among the groups gnomAD compares: South Asian, 0.0011%; no homozygotes.

Submissions (4):

Labcorp Genetics (formerly Invitae), Labcorp
Classification: Uncertain significance for Familial adenomatous polyposis 1. Last evaluated: 2025-03-18. Review status: criteria provided, single submitter. Criteria: Invitae Variant Classification Sherloc (09022015). Collection method: clinical testing. Allele origin: germline.
Comment: This sequence change replaces asparagine, which is neutral and polar, with serine, which is neutral and polar, at codon 1797 of the APC protein (p.Asn1797Ser). This variant is present in population databases (no rsID available, gnomAD 0.0009%). This variant has not been reported in the literature in individuals affected with APC-related conditions. ClinVar contains an entry for this variant (Variation ID: 643011). Invitae Evidence Modeling of protein sequence and biophysical properties (such as structural, functional, and spatial information, amino acid conservation, physicochemical variation, residue mobility, and thermodynamic stability) indicates that this missense variant is not expected to disrupt APC protein function with a negative predictive value of 95%. In summary, the available evidence is currently insufficient to determine the role of this variant in disease. Therefore, it has been classified as a Variant of Uncertain Significance.

Ambry Genetics
Classification: Uncertain significance for Hereditary cancer-predisposing syndrome. Last evaluated: 2025-01-03. Review status: criteria provided, single submitter. Criteria: Ambry Variant Classification Scheme 2023. Collection method: clinical testing. Allele origin: germline.
Comment: The p.N1797S variant (also known as c.5390A>G), located in coding exon 15 of the APC gene, results from an A to G substitution at nucleotide position 5390. The asparagine at codon 1797 is replaced by serine, an amino acid with highly similar properties. This amino acid position is not well conserved in available vertebrate species. In addition, in silico predictors for this gene do not accurately predict pathogenicity. Missense alterations in APC are not a common cause of disease (Spier I et al. Genet Med. 2024 Feb;26(2):100992). Based on the available evidence, the clinical significance of this variant remains unclear.

All of Us Research Program, National Institutes of Health
Classification: Uncertain significance for Classic or attenuated familial adenomatous polyposis. Last evaluated: 2024-07-20. Review status: criteria provided, single submitter. Criteria: ACMG Guidelines, 2015. Collection method: clinical testing. Allele origin: germline. Inheritance: Autosomal dominant inheritance. Observed: 1 variant allele, 1 heterozygote.
Comment: This missense variant replaces asparagine with serine at codon 1797 of the APC protein. Computational prediction suggests that this variant may not impact protein structure and function (internally defined REVEL score threshold <= 0.5, PMID: 27666373). To our knowledge, functional studies have not been reported for this variant. This variant has not been reported in individuals affected with APC-related disorders in the literature. This variant has been identified in 1/249598 chromosomes in the general population by the Genome Aggregation Database (gnomAD). The available evidence is insufficient to determine the role of this variant in disease conclusively. Therefore, this variant is classified as a Variant of Uncertain Significance.

This study involves interpretation of variants in research participants for the purpose of population health screening. Participant phenotype was not available at the time of variant classification. Additional details can be found in publication PMID: 35346344, PMCID: PMC8962531

PreventionGenetics, part of Exact Sciences
Classification: Uncertain significance for APC-related condition. Last evaluated: 2023-01-11. Review status: criteria provided, single submitter. Criteria: ACMG Guidelines, 2015. Collection method: clinical testing. Allele origin: germline.
Comment: The APC c.5390A>G variant is predicted to result in the amino acid substitution p.Asn1797Ser. To our knowledge, this variant has not been reported in the literature. This variant is reported in 1 of ~250,000 alleles in gnomAD and is interpreted as uncertain significance in ClinVar. At this time, the clinical significance of this variant is uncertain due to the absence of conclusive functional and genetic evidence.

NM_000038.6(APC):c.5390A>G (p.Asn1797Ser)

Gene: APC (APC regulator of Wnt signaling pathway; plus strand). Cytogenetic location: 5q22.2.
Variant type: single nucleotide variant.
Coding change: c.5390A>G on transcript NM_000038.6 (MANE Select); coding-DNA position 5390, A replaced by G.
Protein change: p.Asn1797Ser; replaces asparagine 1797 with serine.
Molecular consequence: missense variant.
Genome position (GRCh38, 1-based): chr5:112,840,984, A>G. VCF-style: chr5-112840984-A-G. GRCh37 (hg19) VCF-style: chr5-112176681-A-G.
Other names: c.5390A>G, p.Asn1797Ser (NM_001127510.3, NM_001354895.2); c.5336A>G, p.Asn1779Ser (NM_001127511.3); c.5444A>G, p.Asn1815Ser (NM_001354896.2); c.5420A>G, p.Asn1807Ser (NM_001354897.2); c.5315A>G, p.Asn1772Ser (NM_001354898.2); c.5306A>G, p.Asn1769Ser (NM_001354899.2); c.5267A>G, p.Asn1756Ser (NM_001354900.2); c.5213A>G, p.Asn1738Ser (NM_001354901.2); and 5 more; short protein forms N1637S, N1696S, N1738S, N1514S, N1671S, N1769S, N1807S, N1815S.
Identifiers: ClinVar variation 643011 (VCV000643011.15), dbSNP rs1278802463, ClinGen allele CA16033112.